The following is an entry in ClinVar:

NM_024537.4(CARS2):c.920-178C>G

Gene: CARS2 (cysteinyl-tRNA synthetase 2, mitochondrial; minus strand). Cytogenetic location: 13q34.
Variant type: single nucleotide variant.
Coding change: c.920-178C>G on transcript NM_024537.4 (MANE Select); 178 bases into the intron before coding-DNA position 920, C replaced by G.
Molecular consequence: intron variant. On other transcripts: 3 prime UTR variant (1).
Genome position (GRCh38, 1-based): chr13:110,663,696, G>C on the plus strand (C>G on the coding strand, the complement: CARS2 is on the minus strand). VCF-style: chr13-110663696-G-C. GRCh37 (hg19) VCF-style: chr13-111316043-G-C.
Other names: c.*214C>G (NM_001352253.3); c.134-178C>G (NM_001352252.2).
Identifiers: ClinVar variation 683456 (VCV000683456.2), dbSNP rs2296656, ClinGen allele CA16482185.

ClinVar aggregate classification (germline): Benign. Review status: criteria provided, multiple submitters, no conflicts (2 of 4 stars). 2 submissions from 2 submitters: Benign (2). Last evaluated 2018-06-14.

Allele frequency attached by ClinVar (database versions not stated): 1000 Genomes Project 30x 0.75422; TOPMed 0.75428; gnomAD 0.77096; gnomAD exomes 0.83680.
gnomAD v4.1: 1,153,986 of 1,391,294 alleles (83%); highest among the groups gnomAD compares: East Asian, 85%; 480,577 homozygotes.

Submissions (2):

GeneDx
Classification: Benign. Last evaluated: 2018-06-14. Review status: criteria provided, single submitter. Criteria: GeneDx Variant Classification (06012015). Collection method: clinical testing. Allele origin: germline. Affected: yes.
Comment: This variant is considered likely benign or benign based on one or more of the following criteria: it is a conservative change, it occurs at a poorly conserved position in the protein, it is predicted to be benign by multiple in silico algorithms, and/or has population frequency not consistent with disease.

Breakthrough Genomics
Classification: Benign. Review status: criteria provided, single submitter. Criteria: ACMG Guidelines, 2015. Collection method: not provided. Allele origin: germline. Inheritance: Autosomal recessive inheritance. Affected: yes.